The following is an entry in ClinVar:

ClinVar aggregate classification (germline): Pathogenic (1 of 4 stars; one submission).

Submission:

GeneDx
Classification: Pathogenic. Last evaluated: 2023-08-25. Review status: criteria provided, single submitter. Criteria: GeneDx Variant Classification Process June 2021. Collection method: clinical testing. Allele origin: germline. Affected: yes.
Comment: Frameshift variant predicted to result in protein truncation or nonsense mediated decay in a gene for which loss-of-function is a known mechanism of disease; Not observed in large population cohorts (gnomAD); Has not been previously published as pathogenic or benign to our knowledge

NM_000094.4(COL7A1):c.6067_6075delinsAATGGGGT (p.Glu2023fs)

Gene: COL7A1 (collagen type VII alpha 1 chain; minus strand). Cytogenetic location: 3p21.31.
Variant type: Indel.
Coding change: c.6067_6075delinsAATGGGGT on transcript NM_000094.4 (MANE Select); coding-DNA positions 6067 to 6075, GAGAGGGGC replaced by AATGGGGT.
Protein change: p.Glu2023fs; shifts the reading frame from glutamic acid 2023.
Molecular consequence: frameshift variant.
Genome position (GRCh38, 1-based): chr3:48,575,444-48,575,452, GCCCCTCTC replaced by ACCCCATT on the plus strand (GAGAGGGGC replaced by AATGGGGT on the coding strand, the reverse complement: COL7A1 is on the minus strand). VCF-style: chr3-48575444-GCCCCTCTC-ACCCCATT. GRCh37 (hg19) VCF-style: chr3-48612877-GCCCCTCTC-ACCCCATT.
Other names: c.6067_6075delGAGAGGGGCinsAATGGGGT, p.Glu2023Asnfs (NM_000094.3); short protein forms E2023fs.
Identifiers: ClinVar variation 2579515 (VCV002579515.1), dbSNP rs2530972775, ClinGen allele CA2580617906.